The following continues an entry in ClinVar:

NM_000545.8(HNF1A):c.815G>A (p.Arg272His)

Gene: HNF1A. ClinVar aggregate classification (germline): Pathogenic. Pathogenic (1).

Submissions 10 to 14 of 14:

Translational Genomics Laboratory, University of Maryland School of Medicine
Classification: Pathogenic for Monogenic diabetes. Last evaluated: 2015-06-04. Review status: criteria provided, single submitter. Criteria: ACMG Guidelines, 2015. Collection method: clinical testing. Allele origin: germline. Affected: yes. Observed: 1 variant allele, 1 heterozygote. Not counted in ClinVar's aggregate classification.
Comment: The c.815G>A (p.(Arg272His)) pathogenic variant in the HNF1A gene has been reported previously in patients with Maturity-Onset Diabetes of the Young, Type 3 (MODY3) (9313763, 11463573, 19150152, 9032114). The variant tracks with disease incidence across multiple generations in multiple families (9032114, AACE report). The c.815G>A variant was not observed in the NHLBI Exome Sequencing Project (ESP), 1000 Genomes Project, or Exome Aggregation Consortium (ExAC) databases. Multiple lines of computational evidence (SIFT, Polyphen, MutationTaster, LRT, CADD, GERP) predict this variant is probably damaging to the protein structure, function, or protein-protein interaction. In particular, the c.815G>A variant is located within helix 3 of the homeodomain DNA binding motif, a part of the domain strictly conserved among all known homeodomain sequences (10585442, 15726414). Electrophoretic mobility shift assays showed the p.Arg272His variant has reduced DNA binding activity compared to the normal protein (10585442); ACMG Criteria = PS3, PM1, PM2, PP3, PP5, PP1

Clinical Genomics, Uppaluri K&H Personalized Medicine Clinic
Classification: Pathogenic for Maturity-onset diabetes of the young. Review status: criteria provided, single submitter. Criteria: K & H Uppaluri Personalized Medicine Clinic Variant Classification & Assertion Criteria_Updated V.1. Collection method: research. Allele origin: unknown. Inheritance: Autosomal dominant inheritance. Not counted in ClinVar's aggregate classification.
Comment: Mutations in HNF1A gene can predispose to MODY3. It is associated with both micro and macrovascular complications of diabetes, especially cardiovascular complications. Associated with glucosuria. May respond well to sulfonylureas. Sufficient evidence is found to confer the association of this particular variant rs137853238 with MODY3.

Molecular Genetics, Madras Diabetes Research Foundation
Classification: Likely pathogenic for Maturity-onset diabetes of the young. Review status: criteria provided, single submitter. Criteria: ACMG Guidelines, 2015. Collection method: clinical testing. Allele origin: germline. Affected: yes. Not counted in ClinVar's aggregate classification.

PreventionGenetics, part of Exact Sciences
Classification: Pathogenic for HNF1A-related condition. Last evaluated: 2024-07-02. Review status: no assertion criteria provided. Collection method: clinical testing. Allele origin: germline. Not counted in ClinVar's aggregate classification.
Comment: The HNF1A c.815G>A variant is predicted to result in the amino acid substitution p.Arg272His. This variant was reported to be pathogenic for autosomal dominant maturity onset diabetes of the young (MODY) in multiple affected patients (Kaisaki et al. 1997. PubMed ID: 9032114; Pruhova et al. 2013. PubMed ID: 23610083; Mohan et al. 2018. PubMed ID: 29439679; Passanisi et al. 2021. PubMed ID: 34496959). This variant has not been reported in a large population database, indicating this variant is rare. This variant is interpreted as pathogenic.

OMIM
Classification: Pathogenic for TYPE 1 DIABETES MELLITUS 20. Last evaluated: 1997-10-01. Review status: no assertion criteria provided. Collection method: literature only. Allele origin: germline. Not counted in ClinVar's aggregate classification.

Literature cited by the submitters: PubMed 11393552 (cited by ClinGen Monogenic Diabetes Variant Curation Expert Panel); PubMed 15114102 (cited by ClinGen Monogenic Diabetes Variant Curation Expert Panel and Athena Diagnostics); PubMed 9032114 (cited by 4 submitters); PubMed 15726414 (cited by ClinGen Monogenic Diabetes Variant Curation Expert Panel and Translational Genomics Laboratory, University of Maryland School of Medicine); PubMed 9166684 (cited by 3 submitters); PubMed 10585442 (cited by 3 submitters); PubMed 21823540 (cited by Labcorp Genetics (formerly Invitae), Labcorp and Ambry Genetics); PubMed 29439679 (cited by 3 submitters); PubMed 21224407 (cited by Athena Diagnostics); PubMed 21648289 (cited by Athena Diagnostics); PubMed 31166087 (cited by Athena Diagnostics); PubMed 31483937 (cited by Athena Diagnostics and Clinical Genomics, Uppaluri K&H Personalized Medicine Clinic); PubMed 33242514 (cited by Athena Diagnostics); PubMed 33245425 (cited by Athena Diagnostics); PubMed 34496959 (cited by Athena Diagnostics and Clinical Genomics, Uppaluri K&H Personalized Medicine Clinic); PubMed 34556497 (cited by Athena Diagnostics); PubMed 36613572 (cited by Athena Diagnostics); PubMed 37396188 (cited by Athena Diagnostics); PubMed 12627330 (cited by Athena Diagnostics and Ambry Genetics); PubMed 23610083 (cited by Athena Diagnostics and Ambry Genetics); PubMed 26431509 (cited by Athena Diagnostics and Ambry Genetics); PubMed 29207974 (cited by Athena Diagnostics); PubMed 21395678 (cited by Athena Diagnostics and Ambry Genetics); PubMed 12453976 (cited by Athena Diagnostics and Ambry Genetics); PubMed 19150152 (cited by Athena Diagnostics and Translational Genomics Laboratory, University of Maryland School of Medicine); PubMed 9313763 (cited by 3 submitters); PubMed 12453420 (cited by Ambry Genetics); PubMed 23348805 (cited by Ambry Genetics); PubMed 11463573 (cited by Translational Genomics Laboratory, University of Maryland School of Medicine).